The following is an entry in ClinVar:

ClinVar aggregate classification (germline): Uncertain significance (1 of 4 stars; one submission).

Submission:

Labcorp Genetics (formerly Invitae), Labcorp
Classification: Uncertain significance. Last evaluated: 2024-07-17. Review status: criteria provided, single submitter. Criteria: Invitae Variant Classification Sherloc (09022015). Collection method: clinical testing. Allele origin: germline.
Comment: This sequence change replaces leucine, which is neutral and non-polar, with valine, which is neutral and non-polar, at codon 993 of the TOP2B protein (p.Leu993Val). This variant is not present in population databases (gnomAD no frequency). This variant has not been reported in the literature in individuals affected with TOP2B-related conditions. An algorithm developed to predict the effect of missense changes on protein structure and function (PolyPhen-2) suggests that this variant is likely to be tolerated. In summary, the available evidence is currently insufficient to determine the role of this variant in disease. Therefore, it has been classified as a Variant of Uncertain Significance.

NM_001330700.2(TOP2B):c.2992C>G (p.Leu998Val)

Gene: TOP2B (DNA topoisomerase II beta; minus strand). Cytogenetic location: 3p24.2.
Variant type: single nucleotide variant.
Coding change: c.2992C>G on transcript NM_001330700.2 (MANE Select); coding-DNA position 2992, C replaced by G.
Protein change: p.Leu998Val; replaces leucine 998 with valine.
Molecular consequence: missense variant.
Genome position (GRCh38, 1-based): chr3:25,619,933, G>C on the plus strand (C>G on the coding strand, the complement: TOP2B is on the minus strand). VCF-style: chr3-25619933-G-C. GRCh37 (hg19) VCF-style: chr3-25661424-G-C.
Other names: c.2977C>G, p.Leu993Val (NM_001068.3); short protein forms L993V, L998V.
Identifiers: ClinVar variation 3618820 (VCV003618820.2).